The following is an entry in ClinVar:

ClinVar aggregate classification (germline): Uncertain significance (1 of 4 stars; one submission).

Allele frequency attached by ClinVar (database versions not stated): gnomAD exomes below 0.00001; TOPMed below 0.00001.
gnomAD v4.1: 4 of 1,608,578 alleles (0.00025%); highest among the groups gnomAD compares: Admixed American, 0.0017%; no homozygotes.

Submission:

Labcorp Genetics (formerly Invitae), Labcorp
Classification: Uncertain significance. Last evaluated: 2022-07-06. Review status: criteria provided, single submitter. Criteria: Invitae Variant Classification Sherloc (09022015). Collection method: clinical testing. Allele origin: germline.
Comment: This sequence change replaces asparagine, which is neutral and polar, with lysine, which is basic and polar, at codon 644 of the SLC24A1 protein (p.Asn644Lys). This variant is not present in population databases (gnomAD no frequency). This variant has not been reported in the literature in individuals affected with SLC24A1-related conditions. ClinVar contains an entry for this variant (Variation ID: 1386269). Algorithms developed to predict the effect of missense changes on protein structure and function output the following: SIFT: "Tolerated"; PolyPhen-2: "Benign"; Align-GVGD: "Class C0". The lysine amino acid residue is found in multiple mammalian species, which suggests that this missense change does not adversely affect protein function. In summary, the available evidence is currently insufficient to determine the role of this variant in disease. Therefore, it has been classified as a Variant of Uncertain Significance.

NM_004727.3(SLC24A1):c.1932C>G (p.Asn644Lys)

Gene: SLC24A1 (solute carrier family 24 member 1; plus strand). Cytogenetic location: 15q22.31.
Variant type: single nucleotide variant.
Coding change: c.1932C>G on transcript NM_004727.3 (MANE Select); coding-DNA position 1932, C replaced by G.
Protein change: p.Asn644Lys; replaces asparagine 644 with lysine.
Molecular consequence: missense variant. On other transcripts: intron variant (2).
Genome position (GRCh38, 1-based): chr15:65,638,169, C>G. VCF-style: chr15-65638169-C-G. GRCh37 (hg19) VCF-style: chr15-65930507-C-G.
Other names: c.1932C>G, p.Asn644Lys (NM_001301031.1); c.1891-1426C>G (NM_001301033.2, NM_001301032.1); short protein forms N644K.
Identifiers: ClinVar variation 1386269 (VCV001386269.5), dbSNP rs994191317, ClinGen allele CA271596919.